The following is an entry in ClinVar:

NM_000169.3(GLA):c.966C>A (p.Asp322Glu)

Genes: GLA (galactosidase alpha; minus strand), RPL36A-HNRNPH2 (RPL36A-HNRNPH2 readthrough; plus strand). Cytogenetic location: Xq22.1.
Variant type: single nucleotide variant.
Coding change: c.966C>A on transcript NM_000169.3 (MANE Select); coding-DNA position 966, C replaced by A.
Protein change: p.Asp322Glu; replaces aspartic acid 322 with glutamic acid.
Molecular consequence: missense variant. On other transcripts: non-coding transcript variant (3), intron variant (2).
Genome position (GRCh38, 1-based): chrX:101,398,403, G>T on the plus strand (C>A on the coding strand, the complement: GLA is on the minus strand). VCF-style: chrX-101398403-G-T. GRCh37 (hg19) VCF-style: chrX-100653391-G-T.
Other names: c.1089C>A, p.Asp363Glu (NM_001406747.1); c.966C>A, p.Asp322Glu (NM_001406748.1); c.300+2946G>T (NM_001199973.2); c.177+6581G>T (NM_001199974.2); short protein forms D322E, D363E.
Identifiers: ClinVar variation 222459 (VCV000222459.38), dbSNP rs398123226, ClinGen allele CA352266.

ClinVar aggregate classification (germline): Pathogenic. Review status: criteria provided, multiple submitters, no conflicts (2 of 4 stars). 7 submissions from 7 submitters: Pathogenic (6). 1 of the submissions does not count toward it. Last evaluated 2026-09-08.

Conditions:
Fabry disease. Also called: GLA DEFICIENCY; HEREDITARY DYSTOPIC LIPIDOSIS; Fabry's disease; Angiokeratoma corporis diffusum; Ceramide trihexosidosis; ALPHA-GALACTOSIDASE A DEFICIENCY. Identifiers: Orphanet 324, MedGen C0002986, MONDO:0010526, OMIM 301500, HP:0001071. Disease mechanism: loss of function, Fabry disease is due to inactivating mutations in the X-linked GLA gene resulting in deficiency of the enzyme Alpha Galactosidase-A..

Submissions (7):

Genomenon, Inc
Classification: Pathogenic for Fabry disease. Last evaluated: 2026-09-08. Review status: criteria provided, single submitter. Criteria: Genomenon Sequence Variant Interpretation Standards - Updated. Collection method: curation. Allele origin: germline. Affected: yes.
Comment: GLA p.Asp322Glu (c.966C>A) is a missense variant that changes the amino acid at codon 322 from Aspartic acid to Glutamic acid. This variant has been observed in at least one proband with clinical features consistent with Fabry disease (PMID:37940383;27657681;28798024). The variant was found to segregate with disease in at least one affected family (PMID:28798024). At least one functional study has demonstrated a substantial alteration in protein function relative to the wild-type (PMID:28798024). It is absent or not present at a significant frequency in gnomAD. In silico models predict that this variant is possibly or probably damaging. In conclusion, we classify GLA p.Asp322Glu (c.966C>A) as a pathogenic variant.

Labcorp Genetics (formerly Invitae), Labcorp
Classification: Pathogenic for Fabry disease. Last evaluated: 2026-01-19. Review status: criteria provided, single submitter. Criteria: Invitae Variant Classification Sherloc (09022015). Collection method: clinical testing. Allele origin: germline.
Comment: This sequence change replaces aspartic acid, which is acidic and polar, with glutamic acid, which is acidic and polar, at codon 322 of the GLA protein (p.Asp322Glu). This variant is not present in population databases (gnomAD no frequency). This missense change has been observed in individual(s) with Fabry disease (PMID: 28798024). It has also been observed to segregate with disease in related individuals. ClinVar contains an entry for this variant (Variation ID: 222459). Invitae Evidence Modeling of protein sequence and biophysical properties (such as structural, functional, and spatial information, amino acid conservation, physicochemical variation, residue mobility, and thermodynamic stability) indicates that this missense variant is expected to disrupt GLA protein function with a positive predictive value of 80%. Experimental studies have shown that this missense change affects GLA function (PMID: 28798024). For these reasons, this variant has been classified as Pathogenic.

Revvity Omics, Revvity
Classification: Pathogenic. Last evaluated: 2024-05-08. Review status: criteria provided, single submitter. Criteria: ACMG Guidelines, 2015. Collection method: clinical testing. Allele origin: germline.

Genome-Nilou Lab
Classification: Pathogenic for Fabry disease. Last evaluated: 2021-07-15. Review status: criteria provided, single submitter. Criteria: ACMG Guidelines, 2015. Collection method: clinical testing. Allele origin: germline. Affected: no.

Eurofins Ntd Llc (ga)
Classification: Pathogenic. Last evaluated: 2018-05-03. Review status: criteria provided, single submitter. Criteria: EGL ClinVar v180209 classification definitions. Collection method: clinical testing. Allele origin: germline. Observed: 16 variant alleles, 9 heterozygotes, 7 hemizygotes.

Women's Health and Genetics/Laboratory Corporation of America, LabCorp
Classification: Pathogenic for Fabry disease. Last evaluated: 2018-02-21. Review status: criteria provided, single submitter. Criteria: LabCorp Variant Classification Summary - May 2015. Collection method: clinical testing. Allele origin: germline.
Comment: Variant summary: GLA c.966C>A (p.Asp322Glu) results in a conservative amino acid change in the encoded protein sequence. Four of five in-silico tools predict a damaging effect of the variant on protein function. The variant was absent in 87728 control chromosomes. c.966C>A has been reported in the literature in multiple individuals affected with Fabry Disease,including largre family with co-segregation (Adalsteinsdottir_2017). These data indicate that the variant is very likely to be associated with disease. At least one publication reports experimental evidence evaluating an impact on protein function. The leukocyte -GalA activity was less than 10% in all affected male family members reported in Adalsteinsdottir, 2017. In addition, another alteration of the same nucleotide, c.966C>G, leading to the same protein change, p.D322E, was reported in pt presented with classical FD (Lee, 2010). One clinical diagnostic laboratory has submitted clinical-significance assessments for this variant to ClinVar after 2014 without evidence for independent evaluation. One laboratory classified the variant as pathogenic. Based on the evidence outlined above, the variant was classified as pathogenic.

deCODE genetics, Amgen
Classification: Likely pathogenic for Fabry disease. Last evaluated: 2023-07-21. Review status: no assertion criteria provided. Collection method: research. Allele origin: germline. Affected: yes. Observed: 5 variant alleles. Not counted in ClinVar's aggregate classification.
Comment: The variant NM_000169.3:c.966C>A (chrX:101398403) in GLA was detected in 2 heterozygous females and 4 hemizygous males out of 58K WGS Icelanders (MAF= 0,009%). Following imputation in a set of 166K Icelanders (4 imputed heterozygotes, 3 imputed hemizygotes) we observed an association with hypertrophic cardiomyopathy (using 640 cases and 355022 controls (OR= 30.02, P= 1.90e-04)) under an additive model. Furthermore, we observed an association with cardiomyopathy (using 1974 cases and 365360 controls (OR= 13.36, P= 1.25e-03)) under a recessive model. This variant has been reported in ClinVar previously as pathogenic. Based on ACMG criteria (PS4, PM2, PP5) this variant classifies as likely pathogenic.

Literature cited by the submitters: PubMed 37940383 (cited by Genomenon, Inc); PubMed 27657681 (cited by Genomenon, Inc); PubMed 28798024 (cited by Genomenon, Inc and Labcorp Genetics (formerly Invitae), Labcorp).